The following is an entry in ClinVar:

NM_032608.7(MYO18B):c.637G>A (p.Ala213Thr)

Gene: MYO18B (myosin XVIIIB; plus strand). Cytogenetic location: 22q12.1.
Variant type: single nucleotide variant.
Coding change: c.637G>A on transcript NM_032608.7 (MANE Select); coding-DNA position 637, G replaced by A.
Protein change: p.Ala213Thr; replaces alanine 213 with threonine.
Molecular consequence: missense variant.
Genome position (GRCh38, 1-based): chr22:25,768,553, G>A. VCF-style: chr22-25768553-G-A. GRCh37 (hg19) VCF-style: chr22-26164520-G-A.
Other names: c.637G>A, p.Ala213Thr (NM_001318245.2); c.637G>A (NM_032608.5); short protein forms A213T.
Identifiers: ClinVar variation 1400980 (VCV001400980.5), dbSNP rs757312086, ClinGen allele CA10159659.
Genomic context (GRCh38, chr22:25,768,553, plus strand): 5'-GGGGAGACCTCTAGGACTCCTTGTGGCTCCCAGGCCAGCACCGAGATCTTGGCCCCGAAA[G>A]CTGAGAAGACCCGGACTGGGGGTCTTGGGGACCCAGGCCAAGGAACTGTGGCACTGAAAA-3'
Protein context (NP_115997.5, residues 203-223): QASTEILAPK[Ala213Thr]EKTRTGGLGD

ClinVar aggregate classification (germline): Uncertain significance. Review status: criteria provided, multiple submitters, no conflicts (2 of 4 stars). 2 submissions from 2 submitters: Uncertain significance (2). Last evaluated 2025-11-05.

Conditions:
Inborn genetic diseases. Identifiers: MedGen C0950123, MeSH D030342.

Allele frequency attached by ClinVar (database versions not stated): ExAC 0.00003; TOPMed 0.00009; gnomAD exomes 0.00002 and 0.00003; gnomAD 0.00009 and 0.00008.
gnomAD v4.1: 46 of 1,543,142 alleles (0.003%); highest among the groups gnomAD compares: African/African-American, 0.014%; no homozygotes.

Submissions (2):

Ambry Genetics
Classification: Uncertain significance for Inborn genetic diseases. Last evaluated: 2025-11-05. Review status: criteria provided, single submitter. Criteria: Ambry Variant Classification Scheme 2023. Collection method: clinical testing. Allele origin: germline.

Labcorp Genetics (formerly Invitae), Labcorp
Classification: Uncertain significance. Last evaluated: 2022-10-12. Review status: criteria provided, single submitter. Criteria: Invitae Variant Classification Sherloc (09022015). Collection method: clinical testing. Allele origin: germline.
Comment: This sequence change replaces alanine, which is neutral and non-polar, with threonine, which is neutral and polar, at codon 213 of the MYO18B protein (p.Ala213Thr). This variant is present in population databases (rs757312086, gnomAD 0.03%). This variant has not been reported in the literature in individuals affected with MYO18B-related conditions. ClinVar contains an entry for this variant (Variation ID: 1400980). Algorithms developed to predict the effect of missense changes on protein structure and function output the following: SIFT: "Not Available"; PolyPhen-2: "Benign"; Align-GVGD: "Not Available". The threonine amino acid residue is found in multiple mammalian species, which suggests that this missense change does not adversely affect protein function. In summary, the available evidence is currently insufficient to determine the role of this variant in disease. Therefore, it has been classified as a Variant of Uncertain Significance.